The following is an entry in ClinVar:

NM_017721.5(CC2D1A):c.2048G>A (p.Arg683Gln)

Gene: CC2D1A (coiled-coil and C2 domain containing 1A; plus strand). Cytogenetic location: 19p13.12.
Variant type: single nucleotide variant.
Coding change: c.2048G>A on transcript NM_017721.5 (MANE Select); coding-DNA position 2048, G replaced by A.
Protein change: p.Arg683Gln; replaces arginine 683 with glutamine.
Molecular consequence: missense variant.
Genome position (GRCh38, 1-based): chr19:13,926,700, G>A. VCF-style: chr19-13926700-G-A. GRCh37 (hg19) VCF-style: chr19-14037513-G-A.
Other names: short protein forms R683Q.
Identifiers: ClinVar variation 210598 (VCV000210598.19), dbSNP rs201251295, ClinGen allele CA206604.

ClinVar aggregate classification (germline): Conflicting classifications of pathogenicity. Review status: criteria provided, conflicting classifications (1 of 4 stars). 8 submissions from 8 submitters: Uncertain significance (2); Benign (1); Likely benign (2). 3 of the submissions do not count toward it. Last evaluated 2026-02-04.

Conditions:
CC2D1A-related disorder. Also called: CC2D1A-related condition.
Inborn genetic diseases. Identifiers: MedGen C0950123, MeSH D030342.
Intellectual developmental disorder, autosomal recessive 3. Also called: Intellectual disability, autosomal recessive 3. Identifiers: Orphanet 88616, MedGen C1838023, MONDO:0012037, OMIM 608443.
Intellectual disability. Also called: Intellectual functioning disability; intellectual disabilities; Intellectual developmental disorder. Identifiers: MedGen C3714756, MeSH D008607, MONDO:0001071, HP:0001249.

Allele frequency attached by ClinVar (database versions not stated): ESP Exome Variant Server 0.00040; ExAC 0.00068; gnomAD 0.00069 and 0.00070; TOPMed 0.00073; gnomAD exomes 0.00077; 1000 Genomes Project 0.00080; 1000 Genomes Project 30x 0.00109.
gnomAD v4.1: 1,300 of 1,614,158 alleles (0.081%); highest among the groups gnomAD compares: South Asian, 0.15%; 3 homozygotes.

Submissions (12):

Labcorp Genetics (formerly Invitae), Labcorp
Classification: Benign. Last evaluated: 2026-02-04. Review status: criteria provided, single submitter. Criteria: Invitae Variant Classification Sherloc (09022015). Collection method: clinical testing. Allele origin: germline.

Blueprint Genetics
Classification: Likely benign. Last evaluated: 2024-10-15. Review status: criteria provided, single submitter. Criteria: ACMG Guidelines, 2015. Collection method: clinical testing. Allele origin: germline.

Ambry Genetics
Classification: Likely benign for Inborn genetic diseases. Last evaluated: 2022-08-17. Review status: criteria provided, single submitter. Criteria: Ambry Variant Classification Scheme 2023. Collection method: clinical testing. Allele origin: germline.

Clinical Genetics DNA and cytogenetics Diagnostics Lab, Erasmus MC, Erasmus Medical Center
Classification: Uncertain significance for Intellectual developmental disorder, autosomal recessive 3. Last evaluated: 2016-06-10. Review status: criteria provided, single submitter. Criteria: ACGS Guidelines, 2013. Collection method: clinical testing. Allele origin: germline. Affected: yes. Study: VKGL Data-share Consensus.

Genetic Services Laboratory, University of Chicago
Classification: Uncertain significance. Last evaluated: 2014-12-31. Review status: criteria provided, single submitter. Criteria: ACMG Guidelines, 2015. Collection method: clinical testing. Allele origin: germline.

PreventionGenetics, part of Exact Sciences
Classification: Likely benign for CC2D1A-related condition. Last evaluated: 2023-02-20. Review status: no assertion criteria provided. Collection method: clinical testing. Allele origin: germline. Not counted in ClinVar's aggregate classification.
Comment: This variant is classified as likely benign based on ACMG/AMP sequence variant interpretation guidelines (Richards et al. 2015 PMID: 25741868, with internal and published modifications).

Centre de Biologie Pathologie Génétique, Centre Hospitalier Universitaire de Lille
Classification: Uncertain significance for Intellectual disability. Last evaluated: 2019-01-01. Review status: no assertion criteria provided. Collection method: clinical testing. Allele origin: unknown. Affected: yes. Not counted in ClinVar's aggregate classification.

Diagnostic Laboratory, Department of Genetics, University Medical Center Groningen
Classification: Uncertain significance for Intellectual developmental disorder, autosomal recessive 3. Review status: no assertion criteria provided. Collection method: clinical testing. Allele origin: germline. Affected: yes. Study: VKGL Data-share Consensus. Not counted in ClinVar's aggregate classification.

Dr. Peter K. Rogan Lab, Western University
No classification provided (evidence only). Condition: Melanoma. Review status: no classification provided. Collection method: in vitro. Allele origin: not applicable. Functional consequence: retained intron. Not counted in ClinVar's aggregate classification.

Dr. Peter K. Rogan Lab, Western University
No classification provided (evidence only). Condition: Cervical cancer. Review status: no classification provided. Collection method: in vitro. Allele origin: not applicable. Functional consequence: retained intron. Not counted in ClinVar's aggregate classification.

Dr. Peter K. Rogan Lab, Western University
No classification provided (evidence only). Condition: Malignant lymphoma, large B-cell, diffuse. Review status: no classification provided. Collection method: in vitro. Allele origin: not applicable. Functional consequence: retained intron. Not counted in ClinVar's aggregate classification.

Dr. Peter K. Rogan Lab, Western University
No classification provided (evidence only). Condition: Uveal melanoma. Review status: no classification provided. Collection method: in vitro. Allele origin: not applicable. Functional consequence: retained intron. Not counted in ClinVar's aggregate classification.